The following is an entry in ClinVar:

ClinVar aggregate classification (germline): Pathogenic (1 of 4 stars; one submission).

Submission:

Labcorp Genetics (formerly Invitae), Labcorp
Classification: Pathogenic. Last evaluated: 2022-04-14. Review status: criteria provided, single submitter. Criteria: Invitae Variant Classification Sherloc (09022015). Collection method: clinical testing. Allele origin: germline.
Comment: This sequence change creates a premature translational stop signal (p.Pro463Hisfs*21) in the FAM161A gene. It is expected to result in an absent or disrupted protein product. Loss-of-function variants in FAM161A are known to be pathogenic (PMID: 20705278, 20705279, 24651477). This variant is not present in population databases (gnomAD no frequency). For these reasons, this variant has been classified as Pathogenic. ClinVar contains an entry for this variant (Variation ID: 1074861). This variant has not been reported in the literature in individuals affected with FAM161A-related conditions.

Literature cited by the submitters: PubMed 20705278; PubMed 20705279; PubMed 24651477.

NM_001201543.2(FAM161A):c.1388del (p.Pro463fs)

Gene: FAM161A (FAM161 centrosomal protein A; minus strand). Cytogenetic location: 2p15.
Variant type: Deletion.
Coding change: c.1388del on transcript NM_001201543.2 (MANE Select); coding-DNA position 1388, one base deleted (C; older notation c.1388delC).
Protein change: p.Pro463fs; shifts the reading frame from proline 463.
Molecular consequence: frameshift variant. On other transcripts: non-coding transcript variant (1).
Genome position (GRCh38, 1-based): chr2:61,839,616, G deleted on the plus strand (C on the coding strand, the reverse complement: FAM161A is on the minus strand); the first of 2 consecutive G bases (chr2:61,839,616-61,839,617); deleting either gives the same sequence. VCF-style (leftmost placement, unchanged base first): chr2-61839615-TG-T. GRCh37 (hg19) VCF-style: chr2-62066750-TG-T.
Other names: c.1388del, p.Pro463fs (NM_032180.3); short protein forms P463fs.
Identifiers: ClinVar variation 1074861 (VCV001074861.7), dbSNP rs2105080884, ClinGen allele CA2499216173.